The following is an entry in ClinVar:

NM_022051.3(EGLN1):c.641T>C (p.Leu214Pro)

Gene: EGLN1 (egl-9 family hypoxia inducible factor 1; minus strand). Cytogenetic location: 1q42.2.
Variant type: single nucleotide variant.
Coding change: c.641T>C on transcript NM_022051.3 (MANE Select); coding-DNA position 641, T replaced by C.
Protein change: p.Leu214Pro; replaces leucine 214 with proline.
Molecular consequence: missense variant.
Genome position (GRCh38, 1-based): chr1:231,421,248, A>G on the plus strand (T>C on the coding strand, the complement: EGLN1 is on the minus strand). VCF-style: chr1-231421248-A-G. GRCh37 (hg19) VCF-style: chr1-231556994-A-G.
Other names: c.641T>C, p.Leu214Pro (NM_001377261.1, NM_001377260.1); short protein forms L214P.
Identifiers: ClinVar variation 4811439 (VCV004811439.1).

ClinVar aggregate classification (germline): Uncertain significance (1 of 4 stars; one submission).

Conditions:
Erythrocytosis, familial, 3 (ECYT3). Identifiers: Orphanet 247511, MedGen C1853286, MONDO:0012353, OMIM 609820.

Submission:

Labcorp Genetics (formerly Invitae), Labcorp
Classification: Uncertain significance for Erythrocytosis, familial, 3. Last evaluated: 2025-03-26. Review status: criteria provided, single submitter. Criteria: Invitae Variant Classification Sherloc (09022015). Collection method: clinical testing. Allele origin: germline.
Comment: This sequence change replaces leucine, which is neutral and non-polar, with proline, which is neutral and non-polar, at codon 214 of the EGLN1 protein (p.Leu214Pro). This variant is not present in population databases (gnomAD no frequency). This variant has not been reported in the literature in individuals affected with EGLN1-related conditions. An algorithm developed to predict the effect of missense changes on protein structure and function (PolyPhen-2) suggests that this variant is likely to be disruptive. In summary, the available evidence is currently insufficient to determine the role of this variant in disease. Therefore, it has been classified as a Variant of Uncertain Significance.